The following is an entry in ClinVar:

ClinVar aggregate classification (germline): Uncertain significance (1 of 4 stars; one submission).

Conditions:
Hereditary nonpolyposis colorectal neoplasms. Identifiers: MedGen C0009405, MeSH D003123.

Submission:

Labcorp Genetics (formerly Invitae), Labcorp
Classification: Uncertain significance for Hereditary nonpolyposis colorectal neoplasms. Last evaluated: 2018-04-19. Review status: criteria provided, single submitter. Criteria: Invitae Variant Classification Sherloc (09022015). Collection method: clinical testing. Allele origin: germline.
Comment: In summary, the available evidence is currently insufficient to determine the role of this variant in disease. Therefore, it has been classified as a Variant of Uncertain Significance. Algorithms developed to predict the effect of missense changes on protein structure and function do not agree on the potential impact of this missense change (SIFT: "Deleterious"; PolyPhen-2: "Probably Damaging"; Align-GVGD: "Class C0"). This variant has not been reported in the literature in individuals with PMS2-related disease. The frequency data for this variant in the population databases is considered unreliable, as metrics indicate poor data quality at this position in the ExAC database. This sequence change replaces valine with glycine at codon 816 of the PMS2 protein (p.Val816Gly). The valine residue is moderately conserved and there is a moderate physicochemical difference between valine and glycine.

NM_000535.7(PMS2):c.2447T>G (p.Val816Gly)

Gene: PMS2 (PMS1 homolog 2, mismatch repair system component; minus strand). Cytogenetic location: 7p22.1.
Variant type: single nucleotide variant.
Coding change: c.2447T>G on transcript NM_000535.7 (MANE Select); coding-DNA position 2447, T replaced by G.
Protein change: p.Val816Gly; replaces valine 816 with glycine.
Molecular consequence: missense variant. On other transcripts: non-coding transcript variant (1).
Genome position (GRCh38, 1-based): chr7:5,973,541, A>C on the plus strand (T>G on the coding strand, the complement: PMS2 is on the minus strand). VCF-style: chr7-5973541-A-C. GRCh37 (hg19) VCF-style: chr7-6013172-A-C.
Other names: c.2042T>G, p.Val681Gly (NM_001322003.2, NM_001322004.2, NM_001322005.2); c.2291T>G, p.Val764Gly (NM_001322006.2); c.2129T>G, p.Val710Gly (NM_001322007.2, NM_001322008.2); c.2075T>G, p.Val692Gly (NM_001322009.2); c.1886T>G, p.Val629Gly (NM_001322010.2); c.1514T>G, p.Val505Gly (NM_001322011.2, NM_001322012.2); c.1874T>G, p.Val625Gly (NM_001322013.2); c.2480T>G, p.Val827Gly (NM_001322014.2); and 1 more; short protein forms V816G, V505G, V629G, V681G, V692G, V710G, V713G, V764G.
Identifiers: ClinVar variation 578045 (VCV000578045.8), dbSNP rs1060503140, ClinGen allele CA366735043.